The following is an entry in ClinVar:

ClinVar aggregate classification (germline): Pathogenic (1 of 4 stars; one submission).

Conditions:
AHDC1-related intellectual disability - obstructive sleep apnea - mild dysmorphism syndrome. Also called: Xia-Gibbs syndrome. Identifiers: Orphanet 412069, MedGen C4014419, MONDO:0014358, OMIM 615829.

Submission:

Undiagnosed Diseases Network, NIH
Classification: Pathogenic for AHDC1-related intellectual disability - obstructive sleep apnea - mild dysmorphism syndrome. Last evaluated: 2021-10-18. Review status: criteria provided, single submitter. Criteria: ACMG Guidelines, 2015. Collection method: clinical testing. Allele origin: de novo. Inheritance: Autosomal dominant inheritance. Affected: yes. Observed: 1 variant allele, 1 heterozygote. Study: Undiagnosed Diseases Network (NIH), UDN.
Comment: De novo deletion in the AHDC1 gene that spans 93.38kb and includes exons 2-7.

NC_000001.11:g.27491184_27584566del

Genes: AHDC1 (AT-hook DNA binding motif containing 1; minus strand), LOC129929888 (ATAC-STARR-seq lymphoblastoid active region 556; plus strand), LOC105376892 (uncharacterized LOC105376892; plus strand), LOC129929885 (ATAC-STARR-seq lymphoblastoid active region 554; plus strand), LOC129929886 (ATAC-STARR-seq lymphoblastoid silent region 519; plus strand) and 3 more. Cytogenetic location: 1p36.11.
Variant type: Deletion.
Identifiers: ClinVar variation 1327125 (VCV001327125.3).